The following is an entry in ClinVar:

NM_000257.4(MYH7):c.5206C>T (p.Gln1736Ter)

Genes: MHRT (myosin heavy chain associated RNA transcript; plus strand), MYH7 (myosin heavy chain 7; minus strand), LOC126861897 (BRD4-independent group 4 enhancer GRCh37_chr14:23884455-23885654; plus strand). Cytogenetic location: 14q11.2.
Variant type: single nucleotide variant.
Coding change: c.5206C>T on transcript NM_000257.4 (MANE Select); coding-DNA position 5206, C replaced by T.
Protein change: p.Gln1736Ter; replaces glutamine 1736 with a stop codon.
Molecular consequence: nonsense. On other transcripts: non-coding transcript variant (1).
Genome position (GRCh38, 1-based): chr14:23,415,458, G>A on the plus strand (C>T on the coding strand, the complement: MYH7 is on the minus strand). VCF-style: chr14-23415458-G-A. GRCh37 (hg19) VCF-style: chr14-23884667-G-A.
Other names: short protein forms Q1736*.
Identifiers: ClinVar variation 181273 (VCV000181273.8), dbSNP rs730880812, ClinGen allele CA015781.

ClinVar aggregate classification (germline): Uncertain significance (1 of 4 stars; one submission).

Conditions:
Hypertrophic cardiomyopathy. Also called: HYPERTROPHIC MYOCARDIOPATHY. Identifiers: Orphanet 217569, MedGen C0007194, MeSH D002312, MONDO:0005045, HP:0001639.

Allele frequency attached by ClinVar (database versions not stated): gnomAD exomes below 0.00001.
gnomAD v4.1: 1 of 1,614,226 alleles (0.000062%); highest among the groups gnomAD compares: Admixed American, 0.0017%; no homozygotes.

Submission:

Labcorp Genetics (formerly Invitae), Labcorp
Classification: Uncertain significance for Hypertrophic cardiomyopathy. Last evaluated: 2021-02-18. Review status: criteria provided, single submitter. Criteria: Invitae Variant Classification Sherloc (09022015). Collection method: clinical testing. Allele origin: germline.
Comment: In summary, the available evidence is currently insufficient to determine the role of this variant in disease. Therefore, it has been classified as a Variant of Uncertain Significance. The current clinical and genetic evidence is not sufficient to establish whether loss-of-function variants in MYH7 cause disease. This variant has not been reported in the literature in individuals with MYH7-related disease. This variant is not present in population databases (ExAC no frequency). This sequence change creates a premature translational stop signal (p.Gln1736*) in the MYH7 gene. It is expected to result in an absent or disrupted protein product.